The following is an entry in ClinVar:

ClinVar aggregate classification (germline): Conflicting classifications of pathogenicity. Review status: criteria provided, conflicting classifications (1 of 4 stars). 5 submissions from 5 submitters: Uncertain significance (3); Benign (1); Likely benign (1). Last evaluated 2026-01-20.

Conditions:
Hereditary cancer-predisposing syndrome. Also called: Tumor predisposition; Hereditary neoplastic syndrome; Neoplastic Syndromes, Hereditary; Hereditary Cancer Syndrome. Identifiers: Orphanet 140162, MedGen C0027672, MeSH D009386, MONDO:0015356.
Gorlin syndrome. Also called: Nevoid Basal Cell Carcinoma Syndrome; Basal cell nevus syndrome. Identifiers: Orphanet 377, MedGen C0004779, MONDO:0007187.
PTCH1-related disorder. Also called: PTCH1-related disorders; PTCH1-related condition.

Allele frequency attached by ClinVar (database versions not stated): ExAC 0.00001; gnomAD 0.00002; gnomAD exomes 0.00002 and 0.00003; TOPMed 0.00003.
gnomAD v4.1: 40 of 1,614,088 alleles (0.0025%); highest among the groups gnomAD compares: Non-Finnish European, 0.003%; no homozygotes.

Submissions (5):

Labcorp Genetics (formerly Invitae), Labcorp
Classification: Benign for Gorlin syndrome. Last evaluated: 2026-01-20. Review status: criteria provided, single submitter. Criteria: Invitae Variant Classification Sherloc (09022015). Collection method: clinical testing. Allele origin: germline.

PreventionGenetics, part of Exact Sciences
Classification: Uncertain significance for PTCH1-related condition. Last evaluated: 2023-08-29. Review status: criteria provided, single submitter. Criteria: ACMG Guidelines, 2015. Collection method: clinical testing. Allele origin: germline.
Comment: The PTCH1 c.3100G>A variant is predicted to result in the amino acid substitution p.Val1034Met. To our knowledge, this variant has not been reported in the literature. This variant is reported in 0.0040% of alleles in individuals of African descent in gnomAD; and, it is reported with conflicting interpretations of pathogenicity in ClinVar. At this time, the clinical significance of this variant is uncertain due to the absence of conclusive functional and genetic evidence.

Quest Diagnostics Nichols Institute San Juan Capistrano
Classification: Uncertain significance. Last evaluated: 2023-06-13. Review status: criteria provided, single submitter. Criteria: Quest Diagnostics criteria. Collection method: clinical testing. Allele origin: unknown.
Comment: To the best of our knowledge, this variant has not been reported in individuals with PTCH1-related conditions in the published literature. The frequency of this variant in the general population, 0.000018 (5/282776 chromosomes (Genome Aggregation Database)), is uninformative in the assessment of its pathogenicity. Analysis of this variant using bioinformatics tools for the prediction of the effect of amino acid changes on protein structure and function yielded predictions that this variant is damaging. Based on the available information, we are unable to determine the clinical significance of this variant.

Ambry Genetics
Classification: Likely benign for Hereditary cancer-predisposing syndrome. Last evaluated: 2022-12-16. Review status: criteria provided, single submitter. Criteria: Ambry Variant Classification Scheme 2023. Collection method: clinical testing. Allele origin: germline.

GeneDx
Classification: Uncertain significance. Last evaluated: 2019-06-14. Review status: criteria provided, single submitter. Criteria: GeneDx Variant Classification Process June 2021. Collection method: clinical testing. Allele origin: germline. Affected: yes.
Comment: In silico analysis, which includes protein predictors and evolutionary conservation, supports that this variant does not alter protein structure/function; Has not been previously published as pathogenic or benign to our knowledge

NM_000264.5(PTCH1):c.3100G>A (p.Val1034Met)

Gene: PTCH1 (patched 1; minus strand). Cytogenetic location: 9q22.32.
Variant type: single nucleotide variant.
Coding change: c.3100G>A on transcript NM_000264.5 (MANE Select); coding-DNA position 3100, G replaced by A.
Protein change: p.Val1034Met; replaces valine 1034 with methionine.
Molecular consequence: missense variant. On other transcripts: non-coding transcript variant (1).
Genome position (GRCh38, 1-based): chr9:95,458,081, C>T on the plus strand (G>A on the coding strand, the complement: PTCH1 is on the minus strand). VCF-style: chr9-95458081-C-T. GRCh37 (hg19) VCF-style: chr9-98220363-C-T.
Other names: c.2902G>A, p.Val968Met (NM_001083602.3); c.3097G>A, p.Val1033Met (NM_001083603.3); c.2647G>A, p.Val883Met (NM_001083604.3, NM_001083605.3, NM_001083606.3 and 1 more transcripts); c.2944G>A, p.Val982Met (NM_001354918.2); c.3100G>A (NM_000264.4); short protein forms V968M, V1034M, V883M, V1033M, V982M.
Identifiers: ClinVar variation 219683 (VCV000219683.16), dbSNP rs760902564, ClinGen allele CA349770.
Genomic context (GRCh38, chr9:95,458,081, plus strand): 5'-CGGCCGTCCAGGGGTTCAGAAGGAAGACAGCGCACACGAGGAATGTGCAGGCCAACACCA[C>T]GCTGATGAACAGCAGCAGCCAGTGGCGGAGGCCGATGTACTGCTCCCAGAAGAGGAAGGG-3'
Protein context (NP_000255.2, residues 1024-1044): LRHWLLLFIS[Val1034Met]VLACTFLVCA